The following is an entry in ClinVar:

ClinVar aggregate classification (germline): Uncertain significance (1 of 4 stars; one submission).

gnomAD v4.1: 2 of 1,558,704 alleles (0.00013%); highest among the groups gnomAD compares: Non-Finnish European, 0.00018%; no homozygotes.

Submission:

Labcorp Genetics (formerly Invitae), Labcorp
Classification: Uncertain significance. Last evaluated: 2025-08-18. Review status: criteria provided, single submitter. Criteria: Invitae Variant Classification Sherloc (09022015). Collection method: clinical testing. Allele origin: germline.
Comment: This sequence change replaces leucine, which is neutral and non-polar, with phenylalanine, which is neutral and non-polar, at codon 375 of the RCOR1 protein (p.Leu375Phe). This variant is not present in population databases (gnomAD no frequency). This variant has not been reported in the literature in individuals affected with RCOR1-related conditions. An algorithm developed to predict the effect of missense changes on protein structure and function (PolyPhen-2) suggests that this variant is likely to be tolerated. In summary, the available evidence is currently insufficient to determine the role of this variant in disease. Therefore, it has been classified as a Variant of Uncertain Significance.

NM_015156.4(RCOR1):c.1123C>T (p.Leu375Phe)

Gene: RCOR1 (REST corepressor 1; plus strand). Cytogenetic location: 14q32.32.
Variant type: single nucleotide variant.
Coding change: c.1123C>T on transcript NM_015156.4 (MANE Select); coding-DNA position 1123, C replaced by T.
Protein change: p.Leu375Phe; replaces leucine 375 with phenylalanine.
Molecular consequence: missense variant.
Genome position (GRCh38, 1-based): chr14:102,721,076, C>T. VCF-style: chr14-102721076-C-T. GRCh37 (hg19) VCF-style: chr14-103187413-C-T.
Other names: short protein forms L375F.
Identifiers: ClinVar variation 4762747 (VCV004762747.1).